The following is an entry in ClinVar:

NM_001035.3(RYR2):c.11917G>T (p.Asp3973Tyr)

Gene: RYR2 (ryanodine receptor 2; plus strand). Cytogenetic location: 1q43.
Variant type: single nucleotide variant.
Coding change: c.11917G>T on transcript NM_001035.3 (MANE Select); coding-DNA position 11917, G replaced by T.
Protein change: p.Asp3973Tyr; replaces aspartic acid 3973 with tyrosine.
Molecular consequence: missense variant.
Genome position (GRCh38, 1-based): chr1:237,781,601, G>T. VCF-style: chr1-237781601-G-T. GRCh37 (hg19) VCF-style: chr1-237944901-G-T.
Other names: short protein forms D3973Y.
Identifiers: ClinVar variation 2069122 (VCV002069122.4), dbSNP rs1317177282, ClinGen allele CA345410111.

ClinVar aggregate classification (germline): Uncertain significance (1 of 4 stars; one submission).

Conditions:
Catecholaminergic polymorphic ventricular tachycardia 1. Also called: RYR2-Related Catecholaminergic Polymorphic Ventricular Tachycardia; VENTRICULAR TACHYCARDIA, STRESS-INDUCED POLYMORPHIC 1; VENTRICULAR TACHYCARDIA, CATECHOLAMINERGIC POLYMORPHIC, 1, WITH OR WITHOUT ATRIAL DYSFUNCTION AND/OR DILATED CARDIOMYOPATHY. Identifiers: Orphanet 3286, MedGen C1631597, MONDO:0011484, OMIM 604772.

Submission:

Labcorp Genetics (formerly Invitae), Labcorp
Classification: Uncertain significance for Catecholaminergic polymorphic ventricular tachycardia 1. Last evaluated: 2022-01-01. Review status: criteria provided, single submitter. Criteria: Invitae Variant Classification Sherloc (09022015). Collection method: clinical testing. Allele origin: germline.
Comment: In summary, the available evidence is currently insufficient to determine the role of this variant in disease. Therefore, it has been classified as a Variant of Uncertain Significance. This variant disrupts the p.Asp3973 amino acid residue in RYR2. Other variant(s) that disrupt this residue have been observed in individuals with RYR2-related conditions (PMID: 26114861; Invitae), which suggests that this may be a clinically significant amino acid residue. Algorithms developed to predict the effect of sequence changes on RNA splicing suggest that this variant may create or strengthen a splice site. Advanced modeling of protein sequence and biophysical properties (such as structural, functional, and spatial information, amino acid conservation, physicochemical variation, residue mobility, and thermodynamic stability) performed at Invitae indicates that this missense variant is expected to disrupt RYR2 protein function. This variant has not been reported in the literature in individuals affected with RYR2-related conditions. This variant is not present in population databases (gnomAD no frequency). This sequence change replaces aspartic acid, which is acidic and polar, with tyrosine, which is neutral and polar, at codon 3973 of the RYR2 protein (p.Asp3973Tyr).

Literature cited by the submitters: PubMed 26114861.